The following is an entry in ClinVar:

NM_005357.4(LIPE):c.448C>G (p.Gln150Glu)

Genes: LIPE (lipase E, hormone sensitive type; minus strand), LIPE-AS1 (LIPE antisense RNA 1; plus strand). Cytogenetic location: 19q13.2.
Variant type: single nucleotide variant.
Coding change: c.448C>G on transcript NM_005357.4 (MANE Select); coding-DNA position 448, C replaced by G.
Protein change: p.Gln150Glu; replaces glutamine 150 with glutamic acid.
Molecular consequence: missense variant.
Genome position (GRCh38, 1-based): chr19:42,426,702, G>C on the plus strand (C>G on the coding strand, the complement: LIPE is on the minus strand). VCF-style: chr19-42426702-G-C. GRCh37 (hg19) VCF-style: chr19-42930854-G-C.
Other names: short protein forms Q150E.
Identifiers: ClinVar variation 3290815 (VCV003290815.2).

ClinVar aggregate classification (germline): Uncertain significance. Review status: criteria provided, multiple submitters, no conflicts (2 of 4 stars). 2 submissions from 2 submitters: Uncertain significance (2). Last evaluated 2024-12-09.

Conditions:
Inborn genetic diseases. Identifiers: MedGen C0950123, MeSH D030342.

gnomAD v4.1: 19 of 1,614,102 alleles (0.0012%); highest among the groups gnomAD compares: African/African-American, 0.024%; no homozygotes.

Submissions (2):

GeneDx
Classification: Uncertain significance. Last evaluated: 2024-12-09. Review status: criteria provided, single submitter. Criteria: GeneDx Variant Classification Process June 2021. Collection method: clinical testing. Allele origin: germline. Affected: yes.
Comment: Has not been previously published as pathogenic or benign to our knowledge; In silico analysis indicates that this missense variant does not alter protein structure/function

Ambry Genetics
Classification: Uncertain significance for Inborn genetic diseases. Last evaluated: 2024-04-20. Review status: criteria provided, single submitter. Criteria: Ambry Variant Classification Scheme 2023. Collection method: clinical testing. Allele origin: germline.